The following is an entry in ClinVar:

ClinVar aggregate classification (germline): Uncertain significance. Review status: criteria provided, multiple submitters, no conflicts (2 of 4 stars). 2 submissions from 2 submitters: Uncertain significance (2). Last evaluated 2024-01-29.

Conditions:
Hereditary spastic paraplegia 3A (SPG3A). Also called: Spastic paraplegia 3A, autosomal dominant; SPASTIC PARAPLEGIA 3, AUTOSOMAL DOMINANT; FAMILIAL SPASTIC PARAPLEGIA, AUTOSOMAL DOMINANT, 1; SPG3; STRUMPELL DISEASE; Spastic Paraplegia 3A. Identifiers: Orphanet 100984, MedGen C2931355, MONDO:0008437, OMIM 182600.

Allele frequency attached by ClinVar (database versions not stated): gnomAD exomes 0.00001; ExAC 0.00002.
gnomAD v4.1: 6 of 1,614,186 alleles (0.00037%); highest among the groups gnomAD compares: Non-Finnish European, 0.00051%; no homozygotes.

Submissions (2):

Blueprint Genetics
Classification: Uncertain significance. Last evaluated: 2024-01-29. Review status: criteria provided, single submitter. Criteria: ACMG Guidelines, 2015. Collection method: clinical testing. Allele origin: germline.

Labcorp Genetics (formerly Invitae), Labcorp
Classification: Uncertain significance for Hereditary spastic paraplegia 3A. Last evaluated: 2022-02-06. Review status: criteria provided, single submitter. Criteria: Invitae Variant Classification Sherloc (09022015). Collection method: clinical testing. Allele origin: germline.
Comment: In summary, the available evidence is currently insufficient to determine the role of this variant in disease. Therefore, it has been classified as a Variant of Uncertain Significance. Algorithms developed to predict the effect of missense changes on protein structure and function are either unavailable or do not agree on the potential impact of this missense change (SIFT: "Tolerated"; PolyPhen-2: "Possibly Damaging"; Align-GVGD: "Class C0"). This variant has not been reported in the literature in individuals affected with ATL1-related conditions. This variant is present in population databases (rs745354380, gnomAD 0.002%). This sequence change replaces glycine, which is neutral and non-polar, with aspartic acid, which is acidic and polar, at codon 12 of the ATL1 protein (p.Gly12Asp).

NM_015915.5(ATL1):c.35G>A (p.Gly12Asp)

Gene: ATL1 (atlastin GTPase 1; plus strand). Cytogenetic location: 14q22.1.
Variant type: single nucleotide variant.
Coding change: c.35G>A on transcript NM_015915.5 (MANE Select); coding-DNA position 35, G replaced by A.
Protein change: p.Gly12Asp; replaces glycine 12 with aspartic acid.
Molecular consequence: missense variant.
Genome position (GRCh38, 1-based): chr14:50,587,831, G>A. VCF-style: chr14-50587831-G-A. GRCh37 (hg19) VCF-style: chr14-51054549-G-A.
Other names: c.35G>A, p.Gly12Asp (NM_001127713.1, NM_181598.4); short protein forms G12D.
Identifiers: ClinVar variation 1909951 (VCV001909951.6), dbSNP rs745354380, ClinGen allele CA7180162.